The following is an entry in ClinVar:

NM_001356.5(DDX3X):c.1315+7T>C

Gene: DDX3X (DEAD-box helicase 3 X-linked; plus strand). Cytogenetic location: Xp11.4.
Variant type: single nucleotide variant.
Coding change: c.1315+7T>C on transcript NM_001356.5 (MANE Select); 7 bases into the intron after coding-DNA position 1315, T replaced by C.
Molecular consequence: intron variant.
Genome position (GRCh38, 1-based): chrX:41,345,555, T>C. VCF-style: chrX-41345555-T-C. GRCh37 (hg19) VCF-style: chrX-41204808-T-C.
Other names: c.1315+7T>C (NM_001193416.3); c.1267+7T>C (NM_001193417.3); c.757+7T>C (NM_001363819.1).
Identifiers: ClinVar variation 3339923 (VCV003339923.1).

ClinVar aggregate classification (germline): Uncertain significance (1 of 4 stars; one submission).

gnomAD v4.1: 2 of 1,187,905 alleles (0.00017%); highest among the groups gnomAD compares: Non-Finnish European, 0.00023%; no homozygotes.

Submission:

Women's Health and Genetics/Laboratory Corporation of America, LabCorp
Classification: Uncertain significance. Last evaluated: 2024-06-20. Review status: criteria provided, single submitter. Criteria: LabCorp Variant Classification Summary - May 2015. Collection method: clinical testing. Allele origin: germline.
Comment: Variant summary: DDX3X c.1315+7T>C alters a non-conserved nucleotide located close to a canonical splice site and therefore could affect mRNA splicing, leading to a significantly altered protein sequence. Consensus agreement among computation tools predict no significant impact on normal splicing. However, these predictions have yet to be confirmed by functional studies. The variant was absent in 166312 control chromosomes. The available data on variant occurrences in the general population are insufficient to allow any conclusion about variant significance. To our knowledge, no occurrence of c.1315+7T>C in individuals affected with X-Linked Intellectual Disability 102 and no experimental evidence demonstrating its impact on protein function have been reported. No submitters have cited clinical-significance assessments for this variant to ClinVar. Based on the evidence outlined above, the variant was classified as uncertain significance.